The following is an entry in ClinVar:

ClinVar aggregate classification (germline): Uncertain significance. Review status: criteria provided, multiple submitters, no conflicts (2 of 4 stars). 2 submissions from 2 submitters: Uncertain significance (2). Last evaluated 2025-08-06.

Allele frequency attached by ClinVar (database versions not stated): gnomAD exomes 0.00001 and 0.00002; TOPMed 0.00003; ExAC 0.00005; ESP Exome Variant Server 0.00008.
gnomAD v4.1: 18 of 1,564,626 alleles (0.0012%); highest among the groups gnomAD compares: African/African-American, 0.0081%; no homozygotes.

Submissions (2):

Labcorp Genetics (formerly Invitae), Labcorp
Classification: Uncertain significance. Last evaluated: 2025-08-06. Review status: criteria provided, single submitter. Criteria: Invitae Variant Classification Sherloc (09022015). Collection method: clinical testing. Allele origin: germline.
Comment: This sequence change replaces glutamic acid, which is acidic and polar, with lysine, which is basic and polar, at codon 758 of the PROM1 protein (p.Glu758Lys). This variant is present in population databases (rs371004406, gnomAD 0.005%). This variant has not been reported in the literature in individuals affected with PROM1-related conditions. ClinVar contains an entry for this variant (Variation ID: 1034693). Invitae Evidence Modeling of protein sequence and biophysical properties (such as structural, functional, and spatial information, amino acid conservation, physicochemical variation, residue mobility, and thermodynamic stability) indicates that this missense variant is not expected to disrupt PROM1 protein function with a negative predictive value of 80%. In summary, the available evidence is currently insufficient to determine the role of this variant in disease. Therefore, it has been classified as a Variant of Uncertain Significance.

Blueprint Genetics
Classification: Uncertain significance. Last evaluated: 2022-01-25. Review status: criteria provided, single submitter. Criteria: ACMG Guidelines, 2015. Collection method: clinical testing. Allele origin: germline.

NM_006017.3(PROM1):c.2272G>A (p.Glu758Lys)

Gene: PROM1 (prominin 1; minus strand). Cytogenetic location: 4p15.32.
Variant type: single nucleotide variant.
Coding change: c.2272G>A on transcript NM_006017.3 (MANE Select); coding-DNA position 2272, G replaced by A.
Protein change: p.Glu758Lys; replaces glutamic acid 758 with lysine.
Molecular consequence: missense variant.
Genome position (GRCh38, 1-based): chr4:15,985,768, C>T on the plus strand (G>A on the coding strand, the complement: PROM1 is on the minus strand). VCF-style: chr4-15985768-C-T. GRCh37 (hg19) VCF-style: chr4-15987391-C-T.
Other names: c.2245G>A, p.Glu749Lys (NM_001145847.2, NM_001145848.2, NM_001145851.2 and 4 more transcripts); c.2272G>A, p.Glu758Lys (NM_001145849.2, NM_001145850.2); short protein forms E749K, E758K.
Identifiers: ClinVar variation 1034693 (VCV001034693.7), dbSNP rs371004406, ClinGen allele CA2866458.
Genomic context (GRCh38, chr4:15,985,768, plus strand): 5'-GCTATCCTGAAACTTGACCCCCCTTAACATTCATAAAAGATAAACTACTTACAGAGAACT[C>T]GATCCACTGCAGATAATGTTCAAAATATCCTATTATTGTTCTCCCATACTTCTTAGTTTC-3'
Protein context (NP_006008.1, residues 748-768): GYFEHYLQWI[Glu758Lys]FSISEKVASC